The following is an entry in ClinVar:

NM_003737.4(DCHS1):c.2251C>T (p.Arg751Trp)

Gene: DCHS1 (dachsous cadherin-related 1; minus strand). Cytogenetic location: 11p15.4.
Variant type: single nucleotide variant.
Coding change: c.2251C>T on transcript NM_003737.4 (MANE Select); coding-DNA position 2251, C replaced by T.
Protein change: p.Arg751Trp; replaces arginine 751 with tryptophan.
Molecular consequence: missense variant.
Genome position (GRCh38, 1-based): chr11:6,633,616, G>A on the plus strand (C>T on the coding strand, the complement: DCHS1 is on the minus strand). VCF-style: chr11-6633616-G-A. GRCh37 (hg19) VCF-style: chr11-6654847-G-A.
Other names: c.2251C>T (NM_003737.2); short protein forms R751W.
Identifiers: ClinVar variation 2192389 (VCV002192389.5), dbSNP rs759188370, ClinGen allele CA5860764.

ClinVar aggregate classification (germline): Uncertain significance. Review status: criteria provided, multiple submitters, no conflicts (2 of 4 stars). 2 submissions from 2 submitters: Uncertain significance (2). Last evaluated 2025-12-29.

Conditions:
Inborn genetic diseases. Identifiers: MedGen C0950123, MeSH D030342.

Allele frequency attached by ClinVar (database versions not stated): gnomAD exomes 0.00002; gnomAD 0.00003; TOPMed 0.00003; ExAC 0.00004.
gnomAD v4.1: 40 of 1,599,040 alleles (0.0025%); highest among the groups gnomAD compares: South Asian, 0.012%; no homozygotes.

Submissions (2):

Labcorp Genetics (formerly Invitae), Labcorp
Classification: Uncertain significance. Last evaluated: 2025-12-29. Review status: criteria provided, single submitter. Criteria: Invitae Variant Classification Sherloc (09022015). Collection method: clinical testing. Allele origin: germline.
Comment: This sequence change replaces arginine, which is basic and polar, with tryptophan, which is neutral and slightly polar, at codon 751 of the DCHS1 protein (p.Arg751Trp). The frequency data for this variant in the population databases is considered unreliable, as metrics indicate poor data quality at this position in the gnomAD database. This variant has not been reported in the literature in individuals affected with DCHS1-related conditions. ClinVar contains an entry for this variant (Variation ID: 2192389). Invitae Evidence Modeling of protein sequence and biophysical properties (such as structural, functional, and spatial information, amino acid conservation, physicochemical variation, residue mobility, and thermodynamic stability) indicates that this missense variant is not expected to disrupt DCHS1 protein function with a negative predictive value of 95%. In summary, the available evidence is currently insufficient to determine the role of this variant in disease. Therefore, it has been classified as a Variant of Uncertain Significance.

Ambry Genetics
Classification: Uncertain significance for Inborn genetic diseases. Last evaluated: 2025-04-04. Review status: criteria provided, single submitter. Criteria: Ambry Variant Classification Scheme 2023. Collection method: clinical testing. Allele origin: germline.